The following is an entry in ClinVar:

NM_001035.3(RYR2):c.7829T>C (p.Leu2610Pro)

Gene: RYR2 (ryanodine receptor 2; plus strand). Cytogenetic location: 1q43.
Variant type: single nucleotide variant.
Coding change: c.7829T>C on transcript NM_001035.3 (MANE Select); coding-DNA position 7829, T replaced by C.
Protein change: p.Leu2610Pro; replaces leucine 2610 with proline.
Molecular consequence: missense variant.
Genome position (GRCh38, 1-based): chr1:237,654,278, T>C. VCF-style: chr1-237654278-T-C. GRCh37 (hg19) VCF-style: chr1-237817578-T-C.
Other names: short protein forms L2610P.
Identifiers: ClinVar variation 5028676 (VCV005028676.1).

ClinVar aggregate classification (germline): Uncertain significance (1 of 4 stars; one submission).

Conditions:
Cardiovascular phenotype. Identifiers: MedGen CN230736.

Submission:

Ambry Genetics
Classification: Uncertain significance for Cardiovascular phenotype. Last evaluated: 2026-07-06. Review status: criteria provided, single submitter. Criteria: Ambry Variant Classification Scheme 2023. Collection method: clinical testing. Allele origin: germline.
Comment: The p.L2610P variant (also known as c.7829T>C), located in coding exon 52 of the RYR2 gene, results from a T to C substitution at nucleotide position 7829. The leucine at codon 2610 is replaced by proline, an amino acid with similar properties. This amino acid position is conserved. In addition, this alteration is predicted to be deleterious by in silico analysis. Based on the available evidence, the clinical significance of this variant remains unclear.